The following is an entry in ClinVar:

ClinVar aggregate classification (germline): Likely benign (1 of 4 stars; one submission).

Submission:

GeneDx
Classification: Likely benign. Last evaluated: 2018-01-17. Review status: criteria provided, single submitter. Criteria: GeneDx Variant Classification (06012015). Collection method: clinical testing. Allele origin: germline. Affected: yes.
Comment: This variant is considered likely benign or benign based on one or more of the following criteria: it is a conservative change, it occurs at a poorly conserved position in the protein, it is predicted to be benign by multiple in silico algorithms, and/or has population frequency not consistent with disease.

NM_001267550.2(TTN):c.64455A>G (p.Arg21485=)

Genes: TTN (titin; minus strand), TTN-AS1 (TTN antisense RNA 1; plus strand). Cytogenetic location: 2q31.2.
Variant type: single nucleotide variant.
Coding change: c.64455A>G on transcript NM_001267550.2 (MANE Select); coding-DNA position 64455, A replaced by G.
Protein change: p.Arg21485=; no amino-acid change (arginine 21485 retained).
Molecular consequence: synonymous variant.
Genome position (GRCh38, 1-based): chr2:178,585,289, T>C on the plus strand (A>G on the coding strand, the complement: TTN is on the minus strand). VCF-style: chr2-178585289-T-C. GRCh37 (hg19) VCF-style: chr2-179450016-T-C.
Other names: c.59532A>G, p.Arg19844= (NM_001256850.1); c.37260A>G, p.Arg12420= (NM_003319.4); c.56751A>G, p.Arg18917= (NM_133378.4); c.37635A>G, p.Arg12545= (NM_133432.3); c.37836A>G, p.Arg12612= (NM_133437.4).
Identifiers: ClinVar variation 514949 (VCV000514949.1), dbSNP rs1553633947, ClinGen allele CA430263772.